The following is an entry in ClinVar:

NR_199791.1(RNU2-2):n.20G>A

Genes: RNU2-2 (RNA, U2 small nuclear 2; minus strand), WDR74 (WD repeat domain 74; minus strand). Cytogenetic location: 11q12.3.
Variant type: single nucleotide variant.
Molecular consequence: non-coding transcript variant (on NR_199791.1). On other transcripts: 5 prime UTR variant (1).
Genome position: GRCh38 VCF-style: chr11-62841790-C-T. GRCh37 (hg19) VCF-style: chr11-62609262-C-T.
Other names: c.-519G>A (NM_001369451.1).
Identifiers: ClinVar variation 4540462 (VCV004540462.1).

ClinVar aggregate classification (germline): Likely pathogenic (1 of 4 stars; one submission).

Conditions:
RNU2-2 related disorder.

gnomAD v4.1: 13 of 152,326 alleles (0.0085%); highest among the groups gnomAD compares: East Asian, 0.019%; no homozygotes.

Submission:

Institute for Human Genetics, University Hospital Essen
Classification: Likely pathogenic for RNU2-2 related disorder. Last evaluated: 2025-11-27. Review status: criteria provided, single submitter. Criteria: Submitter's publication. Collection method: clinical testing. Allele origin: inherited. Inheritance: Autosomal recessive inheritance. Affected: yes. Observed: 5 variant alleles, 5 compound heterozygotes.
Comment: PS4_mod, PM1, PM3, PP1 (criteria rationale detailed in Leitão et al. Nature Genetics 2026)